The following is an entry in ClinVar:

ClinVar aggregate classification (germline): Likely benign (0 of 4 stars; one submission).

Conditions:
PRDM9-related disorder. Also called: PRDM9-related condition.

Allele frequency attached by ClinVar (database versions not stated): gnomAD 0.00096; ExAC 0.00031; 1000 Genomes Project 0.00200; 1000 Genomes Project 30x 0.00203; ESP Exome Variant Server 0.00131.
gnomAD v4.1: 308 of 1,614,206 alleles (0.019%); highest among the groups gnomAD compares: African/African-American, 0.38%; 1 homozygote.

Submission:

PreventionGenetics, part of Exact Sciences
Classification: Likely benign for PRDM9-related condition. Last evaluated: 2022-08-02. Review status: no assertion criteria provided. Collection method: clinical testing. Allele origin: germline.
Comment: This variant is classified as likely benign based on ACMG/AMP sequence variant interpretation guidelines (Richards et al. 2015 PMID: 25741868, with internal and published modifications).

NM_020227.4(PRDM9):c.696G>C (p.Lys232Asn)

Gene: PRDM9 (PR/SET domain 9; plus strand). Cytogenetic location: 5p14.2.
Variant type: single nucleotide variant.
Coding change: c.696G>C on transcript NM_020227.4 (MANE Select); coding-DNA position 696, G replaced by C.
Protein change: p.Lys232Asn; replaces lysine 232 with asparagine.
Molecular consequence: missense variant.
Genome position (GRCh38, 1-based): chr5:23,522,699, G>C. VCF-style: chr5-23522699-G-C. GRCh37 (hg19) VCF-style: chr5-23522808-G-C.
Other names: c.696G>C, p.Lys232Asn (NM_001310214.3, NM_001376900.1); short protein forms K232N.
Identifiers: ClinVar variation 3052715 (VCV003052715.2), dbSNP rs199698917, ClinGen allele CA3214677.